The following is an entry in ClinVar:

ClinVar aggregate classification (germline): Uncertain significance. Review status: criteria provided, multiple submitters, no conflicts (2 of 4 stars). 2 submissions from 2 submitters: Uncertain significance (2). Last evaluated 2024-06-07.

Conditions:
Hereditary spastic paraplegia 39 (SPG39). Also called: SPASTIC PARAPLEGIA 39, AUTOSOMAL RECESSIVE; Spastic Paraplegia Type 39 (SPG39). Identifiers: Orphanet 139480, MedGen C2677586, MONDO:0012787, OMIM 612020.
Inborn genetic diseases. Identifiers: MedGen C0950123, MeSH D030342.

Allele frequency attached by ClinVar (database versions not stated): TOPMed 0.00002.

Submissions (2):

Ambry Genetics
Classification: Uncertain significance for Inborn genetic diseases. Last evaluated: 2024-06-07. Review status: criteria provided, single submitter. Criteria: Ambry Variant Classification Scheme 2023. Collection method: clinical testing. Allele origin: germline.

Labcorp Genetics (formerly Invitae), Labcorp
Classification: Uncertain significance for Hereditary spastic paraplegia 39. Last evaluated: 2022-10-20. Review status: criteria provided, single submitter. Criteria: Invitae Variant Classification Sherloc (09022015). Collection method: clinical testing. Allele origin: germline.
Comment: This sequence change replaces arginine, which is basic and polar, with proline, which is neutral and non-polar, at codon 1314 of the PNPLA6 protein (p.Arg1314Pro). This variant is present in population databases (rs746687452, gnomAD 0.006%). This variant has not been reported in the literature in individuals affected with PNPLA6-related conditions. ClinVar contains an entry for this variant (Variation ID: 1021421). Advanced modeling of protein sequence and biophysical properties (such as structural, functional, and spatial information, amino acid conservation, physicochemical variation, residue mobility, and thermodynamic stability) performed at Invitae indicates that this missense variant is not expected to disrupt PNPLA6 protein function. In summary, the available evidence is currently insufficient to determine the role of this variant in disease. Therefore, it has been classified as a Variant of Uncertain Significance.

NM_001166114.2(PNPLA6):c.4055G>C (p.Arg1352Pro)

Gene: PNPLA6 (patatin like domain 6, lysophospholipase; plus strand). Cytogenetic location: 19p13.2.
Variant type: single nucleotide variant.
Coding change: c.4055G>C on transcript NM_001166114.2 (MANE Select); coding-DNA position 4055, G replaced by C.
Protein change: p.Arg1352Pro; replaces arginine 1352 with proline.
Molecular consequence: missense variant.
Genome position (GRCh38, 1-based): chr19:7,561,519, G>C. VCF-style: chr19-7561519-G-C. GRCh37 (hg19) VCF-style: chr19-7626405-G-C.
Other names: c.4085G>C, p.Arg1362Pro (NM_001166111.2); c.3860G>C, p.Arg1287Pro (NM_001166112.2); c.3941G>C, p.Arg1314Pro (NM_001166113.1, NM_006702.5); c.3941G>C (NM_006702.4); short protein forms R1287P, R1314P, R1352P, R1362P.
Identifiers: ClinVar variation 1021421 (VCV001021421.6), dbSNP rs746687452, ClinGen allele CA9140698.